The following is an entry in ClinVar:

ClinVar aggregate classification (germline): Uncertain significance. Review status: criteria provided, multiple submitters, no conflicts (2 of 4 stars). 2 submissions from 2 submitters: Uncertain significance (2). Last evaluated 2025-08-07.

Conditions:
Charcot-Marie-Tooth disease type 2. Also called: Charcot-Marie-Tooth type 2. Identifiers: Orphanet 64746, MedGen C0270914, MONDO:0018993.

gnomAD v4.1: 17 of 1,613,682 alleles (0.0011%); highest among the groups gnomAD compares: Admixed American, 0.0017%; no homozygotes.

Submissions (2):

Labcorp Genetics (formerly Invitae), Labcorp
Classification: Uncertain significance for Charcot-Marie-Tooth disease type 2. Last evaluated: 2025-08-07. Review status: criteria provided, single submitter. Criteria: Invitae Variant Classification Sherloc (09022015). Collection method: clinical testing. Allele origin: germline.
Comment: This sequence change replaces arginine, which is basic and polar, with histidine, which is basic and polar, at codon 573 of the KIF1B protein (p.Arg573His). This variant is present in population databases (rs202061430, gnomAD 0.004%). This variant has not been reported in the literature in individuals affected with KIF1B-related conditions. ClinVar contains an entry for this variant (Variation ID: 1778668). Invitae Evidence Modeling of protein sequence and biophysical properties (such as structural, functional, and spatial information, amino acid conservation, physicochemical variation, residue mobility, and thermodynamic stability) indicates that this missense variant is not expected to disrupt KIF1B protein function with a negative predictive value of 80%. In summary, the available evidence is currently insufficient to determine the role of this variant in disease. Therefore, it has been classified as a Variant of Uncertain Significance.

Ambry Genetics
Classification: Uncertain significance. Last evaluated: 2025-03-31. Review status: criteria provided, single submitter. Criteria: Ambry Variant Classification Scheme 2023. Collection method: clinical testing. Allele origin: germline.
Comment: The p.R573H variant (also known as c.1718G>A), located in coding exon 17 of the KIF1B gene, results from a G to A substitution at nucleotide position 1718. The arginine at codon 573 is replaced by histidine, an amino acid with highly similar properties. This amino acid position is highly conserved in available vertebrate species. In addition, this alteration is predicted to be deleterious by in silico analysis. The evidence for this gene-disease relationship is limited; therefore, the clinical significance of this alteration is unclear.

NM_001365951.3(KIF1B):c.1856G>A (p.Arg619His)

Gene: KIF1B (kinesin family member 1B; plus strand). Cytogenetic location: 1p36.22.
Variant type: single nucleotide variant.
Coding change: c.1856G>A on transcript NM_001365951.3 (MANE Select); coding-DNA position 1856, G replaced by A.
Protein change: p.Arg619His; replaces arginine 619 with histidine.
Molecular consequence: missense variant.
Genome position (GRCh38, 1-based): chr1:10,296,660, G>A. VCF-style: chr1-10296660-G-A. GRCh37 (hg19) VCF-style: chr1-10356718-G-A.
Other names: c.1856G>A, p.Arg619His (NM_001365952.1); c.1718G>A, p.Arg573His (NM_001365953.1, NM_015074.3, NM_183416.4); short protein forms R573H, R619H.
Identifiers: ClinVar variation 1778668 (VCV001778668.9), dbSNP rs202061430, ClinGen allele CA581100.
Genomic context (GRCh38, chr1:10,296,660, plus strand): 5'-CCTGTGAGCGCTCAGAAACCTACGTAAATGGCAAGAGGGTGTCCCAGCCTGTTCAGCTGC[G>A]CTCAGGTGAGACTGGGAGAGGTTTGCCATCTTCAGCAATGTGCACATGGCTTCTGTGACA-3'
Protein context (NP_001352880.1, residues 609-629): GKRVSQPVQL[Arg619His]SGNRIIMGKN